The following is an entry in ClinVar:

ClinVar aggregate classification (germline): Uncertain significance (1 of 4 stars; one submission).

Submission:

GeneDx
Classification: Uncertain significance. Last evaluated: 2025-06-15. Review status: criteria provided, single submitter. Criteria: GeneDx Variant Classification Process June 2021. Collection method: clinical testing. Allele origin: germline. Affected: yes.
Comment: Not observed at significant frequency in large population cohorts (gnomAD); In silico analysis supports that this missense variant has a deleterious effect on protein structure/function; Has not been previously published as pathogenic or benign to our knowledge

NM_001367873.1(SOX6):c.1495G>C (p.Ala499Pro)

Gene: SOX6 (SRY-box transcription factor 6; minus strand). Cytogenetic location: 11p15.2.
Variant type: single nucleotide variant.
Coding change: c.1495G>C on transcript NM_001367873.1 (MANE Select); coding-DNA position 1495, G replaced by C.
Protein change: p.Ala499Pro; replaces alanine 499 with proline.
Molecular consequence: missense variant.
Genome position (GRCh38, 1-based): chr11:16,046,642, C>G on the plus strand (G>C on the coding strand, the complement: SOX6 is on the minus strand). VCF-style: chr11-16046642-C-G. GRCh37 (hg19) VCF-style: chr11-16068188-C-G.
Other names: c.1414G>C, p.Ala472Pro (NM_001145811.2, NM_017508.3); c.1495G>C, p.Ala499Pro (NM_001145819.2, NM_033326.3); c.1372G>C, p.Ala458Pro (NM_001367872.1); short protein forms A458P, A472P, A499P.
Identifiers: ClinVar variation 4537899 (VCV004537899.1).